The following is an entry in ClinVar:

NM_006912.6(RIT1):c.233G>A (p.Gly78Glu)

Gene: RIT1 (Ras like without CAAX 1; minus strand). Cytogenetic location: 1q22.
Variant type: single nucleotide variant.
Coding change: c.233G>A on transcript NM_006912.6 (MANE Select); coding-DNA position 233, G replaced by A.
Protein change: p.Gly78Glu; replaces glycine 78 with glutamic acid.
Molecular consequence: missense variant.
Genome position (GRCh38, 1-based): chr1:155,904,735, C>T on the plus strand (G>A on the coding strand, the complement: RIT1 is on the minus strand). VCF-style: chr1-155904735-C-T. GRCh37 (hg19) VCF-style: chr1-155874526-C-T.
Other names: NM_006912.6(RIT1):c.233G>A; p.Gly78Glu; c.125G>A, p.Gly42Glu (NM_001256820.2); c.284G>A, p.Gly95Glu (NM_001256821.2); c.233G>A, p.Gly78Glu (LRG_1372t1); short protein forms G78E, G95E, G42E.
Identifiers: ClinVar variation 560679 (VCV000560679.8), dbSNP rs1557960268, ClinGen allele CA342803099.
Genomic context (GRCh38, chr1:155,904,735, plus strand): 5'-CCTCCCCTTTGCTAGAGTAAAAAAGCCTTTACTCATAACATTCTGGGATTTAATACCTGT[C>T]CAGCTGTATCCAAAATGTCCAGATTGGCAGGCTCATCATCAATACGGATCCTGATCTTAT-3'
Protein context (NP_008843.1, residues 68-88): PANLDILDTA[Gly78Glu]QAEFTAMRDQ

ClinVar aggregate classification (germline): Uncertain significance. Review status: reviewed by expert panel (3 of 4 stars). 4 submissions from 4 submitters: Uncertain significance (1). 3 of the submissions do not count toward it. Last evaluated 2024-09-17.

Conditions:
Noonan syndrome 8 (NS8). Identifiers: Orphanet 648, MedGen C3809233, MONDO:0014143, OMIM 615355.
RASopathy. Also called: Noonan spectrum disorder; rasopathies. Identifiers: Orphanet 536391, MedGen C5555857, MONDO:0021060.
Noonan syndrome (NS). Also called: Noonan's syndrome. Identifiers: Orphanet 648, MedGen C0028326, MeSH D009634, MONDO:0018997. Disease mechanism: gain of function.

Submissions (4):

ClinGen RASopathy Variant Curation Expert Panel
Classification: Uncertain significance for RASopathy. Last evaluated: 2024-09-17. Review status: reviewed by expert panel. Criteria: ClinGen RASopathy ACMG Specifications RIT1 V2.1.0. Collection method: curation. Allele origin: germline. Inheritance: Autosomal dominant inheritance.
Comment: The c.233G>A (p.Gly78Glu) variant in RIT1 was absent from both versions of gnomAD (PM2_Supporting). The p.Gly78Glu variant was observed in 1 proband with phenotypes suggestive of a RASopathy (PS4_Supporting; GeneDx internal data). Furthermore, the variant is in a location that has been defined by the ClinGen RASopathy Expert Panel to be a mutational hotspot or domain of RIT1 (PM1; PMID 29493581). Computational prediction tools and conservation analysis suggest that the p.Gly78Glu variant may impact the protein (PP3). In summary, the clinical significance of the p.Gly78Glu variant is uncertain; however, the current limited evidence suggests this uncertain variant is leaning towards likely pathogenic. RASopathy-specific ACMG/AMP criteria applied: PS4_Supporting, PM1, PM2_Supporting, PP3 (Version 2.1; 09/27/24).

Labcorp Genetics (formerly Invitae), Labcorp
Classification: Uncertain significance for Noonan syndrome 8. Last evaluated: 2025-10-13. Review status: criteria provided, single submitter. Criteria: Invitae Variant Classification Sherloc (09022015). Collection method: clinical testing. Allele origin: germline. Not counted in ClinVar's aggregate classification.
Comment: This sequence change replaces glycine, which is neutral and non-polar, with glutamic acid, which is acidic and polar, at codon 78 of the RIT1 protein (p.Gly78Glu). This variant is not present in population databases (gnomAD no frequency). This variant has not been reported in the literature in individuals affected with RIT1-related conditions. ClinVar contains an entry for this variant (Variation ID: 560679). Invitae Evidence Modeling of protein sequence and biophysical properties (such as structural, functional, and spatial information, amino acid conservation, physicochemical variation, residue mobility, and thermodynamic stability) indicates that this missense variant is expected to disrupt RIT1 protein function with a positive predictive value of 95%. In summary, the available evidence is currently insufficient to determine the role of this variant in disease. Therefore, it has been classified as a Variant of Uncertain Significance.

Institute of Human Genetics Munich, TUM University Hospital
Classification: Likely pathogenic for Noonan syndrome 8. Last evaluated: 2020-01-17. Review status: criteria provided, single submitter. Criteria: Classification criteria August 2017. Collection method: clinical testing. Allele origin: de novo. Inheritance: Autosomal dominant inheritance. Affected: yes. Observed: 1 heterozygote. Not counted in ClinVar's aggregate classification.

Clinical Molecular Genetics Laboratory, Johns Hopkins All Children's Hospital
Classification: Uncertain significance for Noonan syndrome. Last evaluated: 2017-03-08. Review status: no assertion criteria provided. Collection method: clinical testing. Allele origin: germline. Affected: yes. Not counted in ClinVar's aggregate classification.